The following is an entry in ClinVar:

NM_024009.3(GJB3):c.341C>A (p.Ala114Asp)

Gene: GJB3 (gap junction protein beta 3; plus strand). Cytogenetic location: 1p34.3.
Variant type: single nucleotide variant.
Coding change: c.341C>A on transcript NM_024009.3 (MANE Select); coding-DNA position 341, C replaced by A.
Protein change: p.Ala114Asp; replaces alanine 114 with aspartic acid.
Molecular consequence: missense variant.
Genome position (GRCh38, 1-based): chr1:34,785,103, C>A. VCF-style: chr1-34785103-C-A. GRCh37 (hg19) VCF-style: chr1-35250704-C-A.
Other names: c.341C>A, p.Ala114Asp (NM_001005752.2); short protein forms A114D.
Identifiers: ClinVar variation 1309161 (VCV001309161.2), dbSNP rs770903071, ClinGen allele CA339313282.

ClinVar aggregate classification (germline): Uncertain significance (1 of 4 stars; one submission).

Submission:

GeneDx
Classification: Uncertain significance. Last evaluated: 2019-10-19. Review status: criteria provided, single submitter. Criteria: GeneDx Variant Classification Process June 2021. Collection method: clinical testing. Allele origin: germline. Affected: yes.
Comment: Not observed in large population cohorts (Lek et al., 2016); The majority of missense variants in this gene are considered pathogenic (Stenson et al., 2014); In silico analysis, which includes protein predictors and evolutionary conservation, supports that this variant does not alter protein structure/function; Has not been previously published as pathogenic or benign to our knowledge